The following is an entry in ClinVar:

NM_018979.4(WNK1):c.6596C>T (p.Thr2199Ile)

Gene: WNK1 (WNK lysine deficient protein kinase 1; plus strand). Cytogenetic location: 12p13.33.
Variant type: single nucleotide variant.
Coding change: c.6596C>T on transcript NM_018979.4 (MANE Select); coding-DNA position 6596, C replaced by T.
Protein change: p.Thr2199Ile; replaces threonine 2199 with isoleucine.
Molecular consequence: missense variant.
Genome position (GRCh38, 1-based): chr12:900,623, C>T. VCF-style: chr12-900623-C-T. GRCh37 (hg19) VCF-style: chr12-1009789-C-T.
Other names: c.7376C>T, p.Thr2459Ile (NM_001184985.2); c.5852C>T, p.Thr1951Ile (NM_014823.3); c.7352C>T, p.Thr2451Ile (NM_213655.5); short protein forms T2459I, T2451I, T1951I, T2199I.
Identifiers: ClinVar variation 1924712 (VCV001924712.6), dbSNP rs749252314, ClinGen allele CA6383436.

ClinVar aggregate classification (germline): Uncertain significance. Review status: criteria provided, multiple submitters, no conflicts (2 of 4 stars). 2 submissions from 2 submitters: Uncertain significance (2). Last evaluated 2024-02-14.

Conditions:
Pseudohypoaldosteronism type 2C (PHA2C). Also called: Pseudohypoaldosteronism Type IIC. Identifiers: Orphanet 757, Orphanet 88940, MedGen C1840391, MONDO:0013778, OMIM 614492.
Neuropathy, hereditary sensory and autonomic, type 2A (HSAN2A). Also called: ACROOSTEOLYSIS, GIACCAI TYPE; ACROOSTEOLYSIS, NEUROGENIC; MORVAN DISEASE; NEUROPATHY, CONGENITAL SENSORY; NEUROPATHY, HEREDITARY SENSORY RADICULAR, AUTOSOMAL RECESSIVE; HSAN IIA. Identifiers: Orphanet 970, MedGen C2752089, MONDO:0024309, OMIM 201300.

Allele frequency attached by ClinVar (database versions not stated): ExAC 0.00001.
gnomAD v4.1: 3 of 1,614,194 alleles (0.00019%); highest among the groups gnomAD compares: Admixed American, 0.005%; no homozygotes.

Submissions (2):

Fulgent Genetics
Classification: Uncertain significance for Neuropathy, hereditary sensory and autonomic, type 2A; Pseudohypoaldosteronism type 2C. Last evaluated: 2024-02-14. Review status: criteria provided, single submitter. Criteria: ACMG Guidelines, 2015. Collection method: clinical testing. Allele origin: germline.

Labcorp Genetics (formerly Invitae), Labcorp
Classification: Uncertain significance for Neuropathy, hereditary sensory and autonomic, type 2A; Pseudohypoaldosteronism type 2C. Last evaluated: 2022-10-13. Review status: criteria provided, single submitter. Criteria: Invitae Variant Classification Sherloc (09022015). Collection method: clinical testing. Allele origin: germline.
Comment: In summary, the available evidence is currently insufficient to determine the role of this variant in disease. Therefore, it has been classified as a Variant of Uncertain Significance. Advanced modeling of protein sequence and biophysical properties (such as structural, functional, and spatial information, amino acid conservation, physicochemical variation, residue mobility, and thermodynamic stability) performed at Invitae indicates that this missense variant is not expected to disrupt WNK1 protein function. This variant has not been reported in the literature in individuals affected with WNK1-related conditions. This variant is present in population databases (rs749252314, gnomAD 0.009%). This sequence change replaces threonine, which is neutral and polar, with isoleucine, which is neutral and non-polar, at codon 2451 of the WNK1 protein (p.Thr2451Ile).